The following is an entry in ClinVar:

NM_020987.5(ANK3):c.434A>G (p.Tyr145Cys)

Gene: ANK3 (ankyrin 3; minus strand). Cytogenetic location: 10q21.2.
Variant type: single nucleotide variant.
Coding change: c.434A>G on transcript NM_020987.5 (MANE Select); coding-DNA position 434, A replaced by G.
Protein change: p.Tyr145Cys; replaces tyrosine 145 with cysteine.
Molecular consequence: missense variant.
Genome position (GRCh38, 1-based): chr10:60,270,210, T>C on the plus strand (A>G on the coding strand, the complement: ANK3 is on the minus strand). VCF-style: chr10-60270210-T-C. GRCh37 (hg19) VCF-style: chr10-62029968-T-C.
Other names: c.416A>G, p.Tyr139Cys (NM_001204403.2); c.383A>G, p.Tyr128Cys (NM_001204404.2); c.434A>G, p.Tyr145Cys (NM_001320874.2); short protein forms Y145C, Y139C, Y128C.
Identifiers: ClinVar variation 5009343 (VCV005009343.1).

ClinVar aggregate classification (germline): Uncertain significance (1 of 4 stars; one submission).

Submission:

GeneDx
Classification: Uncertain significance. Last evaluated: 2026-03-18. Review status: criteria provided, single submitter. Criteria: GeneDx Variant Classification Process June 2021. Collection method: clinical testing. Allele origin: germline.
Comment: Not observed at significant frequency in large population cohorts (gnomAD); In silico analysis supports that this missense variant has a deleterious effect on protein structure/function; Has not been previously published as pathogenic or benign to our knowledge